The following is an entry in ClinVar:

NM_001166108.2(PALLD):c.1630G>A (p.Glu544Lys)

Gene: PALLD (palladin, cytoskeletal associated protein; plus strand). Cytogenetic location: 4q32.3.
Variant type: single nucleotide variant.
Coding change: c.1630G>A on transcript NM_001166108.2 (MANE Select); coding-DNA position 1630, G replaced by A.
Protein change: p.Glu544Lys; replaces glutamic acid 544 with lysine.
Molecular consequence: missense variant.
Genome position (GRCh38, 1-based): chr4:168,711,589, G>A. VCF-style: chr4-168711589-G-A. GRCh37 (hg19) VCF-style: chr4-169632740-G-A.
Other names: c.484G>A, p.Glu162Lys (NM_001166109.2); c.1630G>A, p.Glu544Lys (NM_016081.4); short protein forms E162K, E544K.
Identifiers: ClinVar variation 3413607 (VCV003413607.1).
Genomic context (GRCh38, chr4:168,711,589, plus strand): 5'-TGTTGAACTAGTGGCATCTTCTTATGTTTTTCCTCTCTTTCCCCTTCCTTAGCCAACACT[G>A]AAAACTGTAGTTACGAGTCAATGGGAGAATCCAACAATGACCACTTCCAACACTTTCCAC-3'
Protein context (NP_001159580.1, residues 534-554): AQLVVTSANT[Glu544Lys]NCSYESMGES

ClinVar aggregate classification (germline): Uncertain significance (1 of 4 stars; one submission).

Submission:

Ambry Genetics
Classification: Uncertain significance. Last evaluated: 2024-08-30. Review status: criteria provided, single submitter. Criteria: Ambry Variant Classification Scheme 2023. Collection method: clinical testing. Allele origin: germline.
Comment: The p.E544K variant (also known as c.1630G>A), located in coding exon 9 of the PALLD gene, results from a G to A substitution at nucleotide position 1630. The glutamic acid at codon 544 is replaced by lysine, an amino acid with similar properties. This amino acid position is conserved. In addition, this alteration is predicted to be tolerated by in silico analysis. Based on the available evidence, the clinical significance of this variant remains unclear.